The following is an entry in ClinVar:

ClinVar aggregate classification (germline): Benign/Likely benign. Review status: criteria provided, multiple submitters, no conflicts (2 of 4 stars). 4 submissions from 4 submitters: Benign (1); Likely benign (3). Last evaluated 2024-03-01.

Conditions:
Intellectual developmental disorder, autosomal recessive 1. Also called: Intellectual disability, autosomal recessive 1; MENTAL RETARDATION, AUTOSOMAL RECESSIVE 1. Identifiers: Orphanet 88616, MedGen C1855304, MONDO:0009580, OMIM 249500.

Allele frequency attached by ClinVar (database versions not stated): ESP Exome Variant Server 0.00177; gnomAD exomes 0.00061; gnomAD 0.00212 and 0.00203; 1000 Genomes Project 30x 0.00515; ExAC 0.00078; 1000 Genomes Project 0.00439; TOPMed 0.00231.

Submissions (4):

CeGaT Center for Human Genetics Tuebingen
Classification: Likely benign. Last evaluated: 2024-03-01. Review status: criteria provided, single submitter. Criteria: CeGaT Center For Human Genetics Tuebingen Variant Classification Criteria Version 2. Collection method: clinical testing. Allele origin: germline. Affected: yes. Observed: 2 variant alleles.
Comment: PRSS12: BS2

Labcorp Genetics (formerly Invitae), Labcorp
Classification: Benign. Last evaluated: 2019-12-31. Review status: criteria provided, single submitter. Criteria: Invitae Variant Classification Sherloc (09022015). Collection method: clinical testing. Allele origin: germline.

Illumina Laboratory Services, Illumina
Classification: Likely benign for Intellectual developmental disorder, autosomal recessive 1. Last evaluated: 2018-01-13. Review status: criteria provided, single submitter. Criteria: ICSL Variant Classification Criteria 13 December 2019. Collection method: clinical testing. Allele origin: germline.
Comment: This variant was observed in the ICSL laboratory as part of a predisposition screen in an ostensibly healthy population. It had not been previously curated by ICSL or reported in the Human Gene Mutation Database (HGMD: prior to June 1st, 2018), and was therefore a candidate for classification through an automated scoring system. Utilizing variant allele frequency, disease prevalence and penetrance estimates, and inheritance mode, an automated score was calculated to assess if this variant is too frequent to cause the disease. Based on the score and internal cut-off values, a variant classified as likely benign is not then subjected to further curation. The score for this variant resulted in a classification of likely benign for this disease.

Breakthrough Genomics
Classification: Likely benign. Review status: criteria provided, single submitter. Criteria: ACMG Guidelines, 2015. Collection method: not provided. Allele origin: germline. Inheritance: Autosomal recessive inheritance. Affected: yes.

NM_003619.4(PRSS12):c.440C>T (p.Pro147Leu)

Gene: PRSS12 (serine protease 12; minus strand). Cytogenetic location: 4q26.
Variant type: single nucleotide variant.
Coding change: c.440C>T on transcript NM_003619.4 (MANE Select); coding-DNA position 440, C replaced by T.
Protein change: p.Pro147Leu; replaces proline 147 with leucine.
Molecular consequence: missense variant.
Genome position (GRCh38, 1-based): chr4:118,352,281, G>A on the plus strand (C>T on the coding strand, the complement: PRSS12 is on the minus strand). VCF-style: chr4-118352281-G-A. GRCh37 (hg19) VCF-style: chr4-119273436-G-A.
Other names: short protein forms P147L.
Identifiers: ClinVar variation 786046 (VCV000786046.33), dbSNP rs72903215, ClinGen allele CA3055948.
Genomic context (GRCh38, chr4:118,352,281, plus strand): 5'-TGTCTGCAGTCGCAGTAGCCCCAGTCCACCTTGCCACGGGCGTCTCCGTAGAAACACCAG[G>A]GTCTGCCCGCGCCGTCGGGGCTCCGACAAAAGTTGTGGCGCTGTCCTCGCAGCTGAGCCC-3'
Protein context (NP_003610.2, residues 137-157): FCRSPDGAGR[Pro147Leu]WCFYGDARGK